The following is an entry in ClinVar:

ClinVar aggregate classification (germline): Uncertain significance. Review status: criteria provided, multiple submitters, no conflicts (2 of 4 stars). 2 submissions from 2 submitters: Uncertain significance (2). Last evaluated 2020-05-18.

Conditions:
Hereditary cancer-predisposing syndrome. Also called: Tumor predisposition; Neoplastic Syndromes, Hereditary; Hereditary neoplastic syndrome; Hereditary Cancer Syndrome. Identifiers: Orphanet 140162, MedGen C0027672, MeSH D009386, MONDO:0015356.
Ataxia-telangiectasia syndrome (AT). Also called: Ataxia-telangiectasia, complementation group D; AT, COMPLEMENTATION GROUP C; ATAXIA-TELANGIECTASIA, COMPLEMENTATION GROUP A; ATAXIA-TELANGIECTASIA, FRESNO VARIANT; Ataxia-telangiectasia; Ataxia telangiectasia (A-T). Identifiers: Orphanet 100, MedGen C0004135, MONDO:0008840, OMIM 208900.

Submissions (2):

Ambry Genetics
Classification: Uncertain significance for Hereditary cancer-predisposing syndrome. Last evaluated: 2020-05-18. Review status: criteria provided, single submitter. Criteria: Ambry Variant Classification Scheme 2023. Collection method: clinical testing. Allele origin: germline.
Comment: The p.E2181G variant (also known as c.6542A>G), located in coding exon 44 of the ATM gene, results from an A to G substitution at nucleotide position 6542. The glutamic acid at codon 2181 is replaced by glycine, an amino acid with similar properties. This amino acid position is highly conserved in available vertebrate species. In addition, this alteration is predicted to be deleterious by in silico analysis. Since supporting evidence is limited at this time, the clinical significance of this alteration remains unclear.

Labcorp Genetics (formerly Invitae), Labcorp
Classification: Uncertain significance for Ataxia-telangiectasia syndrome. Last evaluated: 2019-06-11. Review status: criteria provided, single submitter. Criteria: Invitae Variant Classification Sherloc (09022015). Collection method: clinical testing. Allele origin: germline.
Comment: Algorithms developed to predict the effect of missense changes on protein structure and function (SIFT, PolyPhen-2, Align-GVGD) all suggest that this variant is likely to be disruptive, but these predictions have not been confirmed by published functional studies and their clinical significance is uncertain. In summary, the available evidence is currently insufficient to determine the role of this variant in disease. Therefore, it has been classified as a Variant of Uncertain Significance. This variant has not been reported in the literature in individuals with ATM-related conditions. This variant is not present in population databases (ExAC no frequency). This sequence change replaces glutamic acid with glycine at codon 2181 of the ATM protein (p.Glu2181Gly). The glutamic acid residue is highly conserved and there is a moderate physicochemical difference between glutamic acid and glycine.

NM_000051.4(ATM):c.6542A>G (p.Glu2181Gly)

Genes: ATM (ATM serine/threonine kinase; plus strand), C11orf65 (chromosome 11 open reading frame 65; minus strand). Cytogenetic location: 11q22.3.
Variant type: single nucleotide variant.
Coding change: c.6542A>G on transcript NM_000051.4 (MANE Select); coding-DNA position 6542, A replaced by G.
Protein change: p.Glu2181Gly; replaces glutamic acid 2181 with glycine.
Molecular consequence: missense variant. On other transcripts: intron variant (2).
Genome position (GRCh38, 1-based): chr11:108,321,390, A>G. VCF-style: chr11-108321390-A-G. GRCh37 (hg19) VCF-style: chr11-108192117-A-G.
Other names: c.6542A>G, p.Glu2181Gly (NM_001351834.2); c.641-12319T>C (NM_001330368.2); c.*39-12319T>C (NM_001351110.2); short protein forms E2181G.
Identifiers: ClinVar variation 947126 (VCV000947126.12), dbSNP rs2085203449, ClinGen allele CA382554292.